The following is an entry in ClinVar:

NM_003849.4(SUCLG1):c.52A>G (p.Ser18Gly)

Gene: SUCLG1 (succinate-CoA ligase GDP/ADP-forming subunit alpha; minus strand). Cytogenetic location: 2p11.2.
Variant type: single nucleotide variant.
Coding change: c.52A>G on transcript NM_003849.4 (MANE Select); coding-DNA position 52, A replaced by G.
Protein change: p.Ser18Gly; replaces serine 18 with glycine.
Molecular consequence: missense variant.
Genome position (GRCh38, 1-based): chr2:84,459,218, T>C on the plus strand (A>G on the coding strand, the complement: SUCLG1 is on the minus strand). VCF-style: chr2-84459218-T-C. GRCh37 (hg19) VCF-style: chr2-84686342-T-C.
Other names: p.Ser18Gly; short protein forms S18G.
Identifiers: ClinVar variation 2159898 (VCV002159898.5), dbSNP rs1056577947, ClinGen allele CA52257087.
Genomic context (GRCh38, chr2:84,459,218, plus strand): 5'-ACTGGCTGGACTCACGGAGGAAGCTGCGCGACAGGAGACGGGCGGCGGCGAGGCCGCTGC[T>C]GCCGGAGACCATGGTAGCGATGTCAGCGGCAGCGGCAAGGGTTGCGGTCATACGCCAATG-3'
Protein context (NP_003840.2, residues 8-28): AADIATMVSG[Ser18Gly]SGLAAARLLS

ClinVar aggregate classification (germline): Uncertain significance. Review status: criteria provided, multiple submitters, no conflicts (2 of 4 stars). 2 submissions from 2 submitters: Uncertain significance (2). Last evaluated 2024-07-09.

Conditions:
Mitochondrial DNA depletion syndrome 9 (MTDPS9). Also called: SUCLG1-Related Mitochondrial DNA Depletion Syndrome, Encephalomyopathic Form with Methylmalonic Aciduria. Identifiers: Orphanet 17, MedGen C3151476, MONDO:0009504, OMIM 245400.

Allele frequency attached by ClinVar (database versions not stated): gnomAD exomes below 0.00001; gnomAD 0.00001; TOPMed 0.00001.
gnomAD v4.1: 4 of 1,550,116 alleles (0.00026%); highest among the groups gnomAD compares: African/African-American, 0.0014%; no homozygotes.

Submissions (2):

Mayo Clinic Laboratories, Mayo Clinic
Classification: Uncertain significance. Last evaluated: 2024-07-09. Review status: criteria provided, single submitter. Criteria: ACMG Guidelines, 2015. Collection method: clinical testing. Allele origin: germline. Observed: 2 variant alleles.
Comment: BP4

Labcorp Genetics (formerly Invitae), Labcorp
Classification: Uncertain significance for Mitochondrial DNA depletion syndrome 9. Last evaluated: 2021-12-23. Review status: criteria provided, single submitter. Criteria: Invitae Variant Classification Sherloc (09022015). Collection method: clinical testing. Allele origin: germline.
Comment: This sequence change replaces serine, which is neutral and polar, with glycine, which is neutral and non-polar, at codon 18 of the SUCLG1 protein (p.Ser18Gly). This variant is not present in population databases (gnomAD no frequency). This variant has not been reported in the literature in individuals affected with SUCLG1-related conditions. Algorithms developed to predict the effect of missense changes on protein structure and function are either unavailable or do not agree on the potential impact of this missense change (SIFT: "Tolerated"; PolyPhen-2: "Not Available"; Align-GVGD: "Class C0"). In summary, the available evidence is currently insufficient to determine the role of this variant in disease. Therefore, it has been classified as a Variant of Uncertain Significance.